The following is an entry in ClinVar:

ClinVar aggregate classification (germline): Conflicting classifications of pathogenicity. Review status: criteria provided, conflicting classifications (1 of 4 stars). 4 submissions from 4 submitters: Uncertain significance (1); Likely benign (3). Last evaluated 2026-01-18.

Conditions:
Alstrom syndrome (ALMS). Identifiers: Orphanet 64, MedGen C0268425, MONDO:0008763, OMIM 203800.

Allele frequency attached by ClinVar (database versions not stated): TOPMed 0.00003; gnomAD exomes 0.00008 and 0.00004; ExAC 0.00009; gnomAD 0.00004.
gnomAD v4.1: 73 of 1,611,014 alleles (0.0045%); highest among the groups gnomAD compares: Non-Finnish European, 0.001%; no homozygotes.

Submissions (4):

Labcorp Genetics (formerly Invitae), Labcorp
Classification: Likely benign for Alstrom syndrome. Last evaluated: 2026-01-18. Review status: criteria provided, single submitter. Criteria: Invitae Variant Classification Sherloc (09022015). Collection method: clinical testing. Allele origin: germline.

Blueprint Genetics
Classification: Likely benign. Last evaluated: 2024-03-01. Review status: criteria provided, single submitter. Criteria: ACMG Guidelines, 2015. Collection method: clinical testing. Allele origin: germline.

Women's Health and Genetics/Laboratory Corporation of America, LabCorp
Classification: Uncertain significance. Last evaluated: 2021-05-24. Review status: criteria provided, single submitter. Criteria: LabCorp Variant Classification Summary - May 2015. Collection method: clinical testing. Allele origin: germline.
Comment: Variant summary: ALMS1 c.9779-19C>A (also known as c.9785-19C>A in RefSeq) alters a conserved nucleotide located close to a canonical splice site and therefore could affect mRNA splicing, leading to a significantly altered protein sequence. 4/4 computational tools predict no significant impact on normal splicing. However, these predictions have yet to be confirmed by functional studies. The variant allele was found at a frequency of 7.6e-05 in 249140 control chromosomes. This frequency is not significantly higher than expected for a pathogenic variant in ALMS1 causing Alstrom Syndrome With Dilated Cardiomyopathy (7.6e-05 vs 0.0018), allowing no conclusion about variant significance. To our knowledge, no occurrence of c.9779-19C>A in individuals affected with Alstrom Syndrome With Dilated Cardiomyopathy and no experimental evidence demonstrating its impact on protein function have been reported. One clinical diagnostic laboratory has submitted clinical-significance assessments for this variant to ClinVar after 2014 without evidence for independent evaluation and classified the variant as likely benign. Based on the evidence outlined above, the variant was classified as VUS-possibly benign.

GeneDx
Classification: Likely benign. Last evaluated: 2017-08-11. Review status: criteria provided, single submitter. Criteria: GeneDx Variant Classification (06012015). Collection method: clinical testing. Allele origin: germline. Affected: yes.
Comment: This variant is considered likely benign or benign based on one or more of the following criteria: it is a conservative change, it occurs at a poorly conserved position in the protein, it is predicted to be benign by multiple in silico algorithms, and/or has population frequency not consistent with disease.

NM_001378454.1(ALMS1):c.9782-19C>A

Gene: ALMS1 (ALMS1 centrosome and basal body associated protein; plus strand). Cytogenetic location: 2p13.1.
Variant type: single nucleotide variant.
Coding change: c.9782-19C>A on transcript NM_001378454.1 (MANE Select); 19 bases into the intron before coding-DNA position 9782, C replaced by A.
Molecular consequence: intron variant.
Genome position (GRCh38, 1-based): chr2:73,534,805, C>A. VCF-style: chr2-73534805-C-A. GRCh37 (hg19) VCF-style: chr2-73761932-C-A.
Other names: c.9782-19C>A (NM_015120.4); c.9785-19C>A (NM_015120.4).
Identifiers: ClinVar variation 511415 (VCV000511415.13), dbSNP rs777706370, ClinGen allele CA1714781.